The following is an entry in ClinVar:

NM_001267550.2(TTN):c.12416A>G (p.His4139Arg)

Gene: TTN (titin; minus strand). Cytogenetic location: 2q31.2.
Variant type: single nucleotide variant.
Coding change: c.12416A>G on transcript NM_001267550.2 (MANE Select); coding-DNA position 12416, A replaced by G.
Protein change: p.His4139Arg; replaces histidine 4139 with arginine.
Molecular consequence: missense variant. On other transcripts: intron variant (1).
Genome position (GRCh38, 1-based): chr2:178,740,817, T>C on the plus strand (A>G on the coding strand, the complement: TTN is on the minus strand). VCF-style: chr2-178740817-T-C. GRCh37 (hg19) VCF-style: chr2-179605544-T-C.
Other names: c.11465A>G, p.His3822Arg (NM_001256850.1); c.11327A>G, p.His3776Arg (NM_003319.4); c.11702A>G, p.His3901Arg (NM_133432.3); c.11903A>G, p.His3968Arg (NM_133437.4); c.10361-2457A>G (NM_133378.4); short protein forms H4139R, H3822R, H3901R, H3776R, H3968R.
Identifiers: ClinVar variation 404764 (VCV000404764.10), dbSNP rs72648920, ClinGen allele CA2002712.

ClinVar aggregate classification (germline): Uncertain significance. Review status: criteria provided, multiple submitters, no conflicts (2 of 4 stars). 4 submissions from 4 submitters: Uncertain significance (4). Last evaluated 2021-09-06.

Conditions:
Cardiovascular phenotype. Identifiers: MedGen CN230736.
Autosomal recessive limb-girdle muscular dystrophy type 2J (LGMDR10). Also called: MUSCULAR DYSTROPHY, LIMB-GIRDLE, AUTOSOMAL RECESSIVE 10; Limb-girdle muscular dystrophy, type 2J. Identifiers: Orphanet 140922, MedGen C1837342, MONDO:0012127, OMIM 608807.
Dilated cardiomyopathy 1G (CMD1G). Identifiers: Orphanet 154, MedGen C1858763, MONDO:0011400, OMIM 604145.
Myopathy, myofibrillar, 9, with early respiratory failure (MFM9). Also called: Myopathy, distal, with early respiratory failure, autosomal dominant; Hereditary myopathy with early respiratory failure; EDSTROM MYOPATHY; MYOPATHY, PROXIMAL, WITH EARLY RESPIRATORY MUSCLE INVOLVEMENT. Identifiers: Orphanet 178464, Orphanet 34521, MedGen C1863599, MONDO:0011362, OMIM 603689.
Tibial muscular dystrophy (TMD). Also called: UDD MYOPATHY; Tibial muscular dystrophy, tardive; Udd Distal Myopathy – Tibial Muscular Dystrophy. Identifiers: Orphanet 609, MedGen C1838244, MONDO:0010870, OMIM 600334.
Early-onset myopathy with fatal cardiomyopathy (CMYO5). Also called: Salih Myopathy; CONGENITAL MYOPATHY 5 WITH CARDIOMYOPATHY. Identifiers: Orphanet 289377, MedGen C2673677, MONDO:0012714, OMIM 611705. Disease mechanism: loss of function.
Hypertrophic cardiomyopathy 9. Also called: Familial hypertrophic cardiomyopathy 9. Identifiers: MedGen C1861065, MONDO:0013412, OMIM 613765.

Allele frequency attached by ClinVar (database versions not stated): gnomAD 0.00001 and 0.00003; ExAC 0.00005; gnomAD exomes 0.00005 and 0.00008; TOPMed 0.00005.
gnomAD v4.1: 78 of 1,613,596 alleles (0.0048%); highest among the groups gnomAD compares: Middle Eastern, 0.099%; no homozygotes.

Submissions (4):

Fulgent Genetics
Classification: Uncertain significance for Tibial muscular dystrophy; Myopathy, myofibrillar, 9, with early respiratory failure; Dilated cardiomyopathy 1G; Autosomal recessive limb-girdle muscular dystrophy type 2J; Early-onset myopathy with fatal cardiomyopathy; Hypertrophic cardiomyopathy 9. Last evaluated: 2021-09-06. Review status: criteria provided, single submitter. Criteria: ACMG Guidelines, 2015. Collection method: clinical testing. Allele origin: unknown.

Ambry Genetics
Classification: Uncertain significance for Cardiovascular phenotype. Last evaluated: 2019-12-19. Review status: criteria provided, single submitter. Criteria: Ambry Variant Classification Scheme 2023. Collection method: clinical testing. Allele origin: germline.
Comment: The p.H3776R variant (also known as c.11327A>G), located in coding exon 44 of the TTN gene, results from an A to G substitution at nucleotide position 11327. The histidine at codon 3776 is replaced by arginine, an amino acid with highly similar properties. This amino acid position is poorly conserved in available vertebrate species. In addition, this alteration is predicted to be tolerated by in silico analysis. Since supporting evidence is limited at this time, the clinical significance of this alteration remains unclear.

Eurofins Ntd Llc (ga)
Classification: Uncertain significance. Last evaluated: 2018-02-15. Review status: criteria provided, single submitter. Criteria: EGL ClinVar v180209 classification definitions. Collection method: clinical testing. Allele origin: germline. Observed: 1 variant allele, 1 heterozygote.

Labcorp Genetics (formerly Invitae), Labcorp
Classification: Uncertain significance for Dilated cardiomyopathy 1G; Autosomal recessive limb-girdle muscular dystrophy type 2J. Last evaluated: 2016-12-30. Review status: criteria provided, single submitter. Criteria: Invitae Variant Classification Sherloc (09022015). Collection method: clinical testing. Allele origin: germline.